The following is an entry in ClinVar:

NM_001085487.3(MYSM1):c.1153A>G (p.Ile385Val)

Gene: MYSM1 (Myb like, SWIRM and MPN domains 1; minus strand). Cytogenetic location: 1p32.1.
Variant type: single nucleotide variant.
Coding change: c.1153A>G on transcript NM_001085487.3 (MANE Select); coding-DNA position 1153, A replaced by G.
Protein change: p.Ile385Val; replaces isoleucine 385 with valine.
Molecular consequence: missense variant.
Genome position (GRCh38, 1-based): chr1:58,681,891, T>C on the plus strand (A>G on the coding strand, the complement: MYSM1 is on the minus strand). VCF-style: chr1-58681891-T-C. GRCh37 (hg19) VCF-style: chr1-59147563-T-C.
Other names: short protein forms I385V.
Identifiers: ClinVar variation 3640728 (VCV003640728.2).

ClinVar aggregate classification (germline): Uncertain significance (1 of 4 stars; one submission).

Submission:

Labcorp Genetics (formerly Invitae), Labcorp
Classification: Uncertain significance. Last evaluated: 2024-02-14. Review status: criteria provided, single submitter. Criteria: Invitae Variant Classification Sherloc (09022015). Collection method: clinical testing. Allele origin: germline.
Comment: This sequence change replaces isoleucine, which is neutral and non-polar, with valine, which is neutral and non-polar, at codon 385 of the MYSM1 protein (p.Ile385Val). This variant is not present in population databases (gnomAD no frequency). This variant has not been reported in the literature in individuals affected with MYSM1-related conditions. Advanced modeling of protein sequence and biophysical properties (such as structural, functional, and spatial information, amino acid conservation, physicochemical variation, residue mobility, and thermodynamic stability) performed at Invitae indicates that this missense variant is not expected to disrupt MYSM1 protein function with a negative predictive value of 80%. In summary, the available evidence is currently insufficient to determine the role of this variant in disease. Therefore, it has been classified as a Variant of Uncertain Significance.